The following is an entry in ClinVar:

ClinVar aggregate classification (germline): Uncertain significance (1 of 4 stars; one submission).

Allele frequency attached by ClinVar (database versions not stated): gnomAD 0.00001; gnomAD exomes 0.00001; ExAC 0.00003.
gnomAD v4.1: 19 of 1,605,382 alleles (0.0012%); highest among the groups gnomAD compares: South Asian, 0.013%; no homozygotes.

Submission:

Labcorp Genetics (formerly Invitae), Labcorp
Classification: Uncertain significance. Last evaluated: 2023-06-15. Review status: criteria provided, single submitter. Criteria: Invitae Variant Classification Sherloc (09022015). Collection method: clinical testing. Allele origin: germline.
Comment: In summary, the available evidence is currently insufficient to determine the role of this variant in disease. Therefore, it has been classified as a Variant of Uncertain Significance. Advanced modeling of protein sequence and biophysical properties (such as structural, functional, and spatial information, amino acid conservation, physicochemical variation, residue mobility, and thermodynamic stability) performed at Invitae indicates that this missense variant is not expected to disrupt FN1 protein function. This variant has not been reported in the literature in individuals affected with FN1-related conditions. This variant is present in population databases (rs762795321, gnomAD 0.01%). This sequence change replaces valine, which is neutral and non-polar, with isoleucine, which is neutral and non-polar, at codon 651 of the FN1 protein (p.Val651Ile).

NM_212482.4(FN1):c.1951G>A (p.Val651Ile)

Gene: FN1 (fibronectin 1; minus strand). Cytogenetic location: 2q35.
Variant type: single nucleotide variant.
Coding change: c.1951G>A on transcript NM_212482.4 (MANE Select); coding-DNA position 1951, G replaced by A.
Protein change: p.Val651Ile; replaces valine 651 with isoleucine.
Molecular consequence: missense variant.
Genome position (GRCh38, 1-based): chr2:215,410,105, C>T on the plus strand (G>A on the coding strand, the complement: FN1 is on the minus strand). VCF-style: chr2-215410105-C-T. GRCh37 (hg19) VCF-style: chr2-216274828-C-T.
Other names: c.1951G>A, p.Val651Ile (NM_212476.3, NM_212478.3, NM_001306129.2 and 13 more transcripts); short protein forms V651I.
Identifiers: ClinVar variation 2879986 (VCV002879986.3), dbSNP rs762795321, ClinGen allele CA2095101.